The following is an entry in ClinVar:

ClinVar aggregate classification (germline): Likely pathogenic (1 of 4 stars; one submission).

Submission:

Labcorp Genetics (formerly Invitae), Labcorp
Classification: Likely pathogenic. Last evaluated: 2021-01-07. Review status: criteria provided, single submitter. Criteria: Invitae Variant Classification Sherloc (09022015). Collection method: clinical testing. Allele origin: germline.
Comment: In summary, the currently available evidence indicates that the variant is pathogenic, but additional data are needed to prove that conclusively. Therefore, this variant has been classified as Likely Pathogenic. Algorithms developed to predict the effect of sequence changes on RNA splicing suggest that this variant may disrupt the consensus splice site, but this prediction has not been confirmed by published transcriptional studies. This variant has not been reported in the literature in individuals with COL7A1-related conditions. This variant is not present in population databases (ExAC no frequency). This sequence change affects a donor splice site in intron 77 of the COL7A1 gene. It is expected to disrupt RNA splicing. Variants that disrupt the donor or acceptor splice site typically lead to a loss of protein function (PMID: 16199547), and loss-of-function variants in COL7A1 are known to be pathogenic (PMID: 16971478).

Literature cited by the submitters: PubMed 16199547; PubMed 16971478.

NM_000094.4(COL7A1):c.6393+1G>C

Gene: COL7A1 (collagen type VII alpha 1 chain; minus strand). Cytogenetic location: 3p21.31.
Variant type: single nucleotide variant.
Coding change: c.6393+1G>C on transcript NM_000094.4 (MANE Select); the canonical splice donor site of the intron after coding-DNA position 6393, G replaced by C.
Molecular consequence: splice donor variant.
Genome position (GRCh38, 1-based): chr3:48,574,676, C>G on the plus strand (G>C on the coding strand, the complement: COL7A1 is on the minus strand). VCF-style: chr3-48574676-C-G. GRCh37 (hg19) VCF-style: chr3-48612109-C-G.
Identifiers: ClinVar variation 1466098 (VCV001466098.8), dbSNP rs2107669589, ClinGen allele CA352658990.